The following is an entry in ClinVar:

ClinVar aggregate classification (germline): Uncertain significance (1 of 4 stars; one submission).

Conditions:
Alzheimer disease. Also called: Presenile and senile dementia; Alzheimer's disease. Identifiers: Orphanet 1020, MedGen C0002395, MeSH D000544, MONDO:0004975, HP:0002511.

Allele frequency attached by ClinVar (database versions not stated): ExAC 0.00001; gnomAD exomes 0.00001; TOPMed 0.00001.
gnomAD v4.1: 5 of 1,613,908 alleles (0.00031%); highest among the groups gnomAD compares: Admixed American, 0.0083%; no homozygotes.

Submission:

Labcorp Genetics (formerly Invitae), Labcorp
Classification: Uncertain significance for Alzheimer disease. Last evaluated: 2022-05-05. Review status: criteria provided, single submitter. Criteria: Invitae Variant Classification Sherloc (09022015). Collection method: clinical testing. Allele origin: germline.
Comment: In summary, the available evidence is currently insufficient to determine the role of this variant in disease. Therefore, it has been classified as a Variant of Uncertain Significance. Algorithms developed to predict the effect of missense changes on protein structure and function are either unavailable or do not agree on the potential impact of this missense change (SIFT: "Deleterious"; PolyPhen-2: "Benign"; Align-GVGD: "Class C0"). This variant has not been reported in the literature in individuals affected with APP-related conditions. This variant is present in population databases (rs201792381, gnomAD 0.01%). This sequence change replaces proline, which is neutral and non-polar, with alanine, which is neutral and non-polar, at codon 356 of the APP protein (p.Pro356Ala).

NM_000484.4(APP):c.1066C>G (p.Pro356Ala)

Gene: APP (amyloid beta precursor protein; minus strand). Cytogenetic location: 21q21.3.
Variant type: single nucleotide variant.
Coding change: c.1066C>G on transcript NM_000484.4 (MANE Select); coding-DNA position 1066, C replaced by G.
Protein change: p.Pro356Ala; replaces proline 356 with alanine.
Molecular consequence: missense variant. On other transcripts: intron variant (7).
Genome position (GRCh38, 1-based): chr21:25,997,384, G>C on the plus strand (C>G on the coding strand, the complement: APP is on the minus strand). VCF-style: chr21-25997384-G-C. GRCh37 (hg19) VCF-style: chr21-27369699-G-C.
Other names: c.898C>G, p.Pro300Ala (NM_001136130.3, NM_001385253.1); c.1066C>G, p.Pro356Ala (NM_001204301.2); c.761-14907C>G (NM_001136131.3); c.698-14907C>G (NM_001136129.3); c.866-14907C>G (NM_001204303.2, NM_201414.3); c.1033+2631C>G (NM_001204302.2, NM_201413.3); c.1018+2631C>G (NM_001136016.3); short protein forms P356A, P300A.
Identifiers: ClinVar variation 2073469 (VCV002073469.4), dbSNP rs201792381, ClinGen allele CA9987437.